The following is an entry in ClinVar:

NM_000414.4(HSD17B4):c.1791C>T (p.Val597=)

Gene: HSD17B4 (hydroxysteroid 17-beta dehydrogenase 4; plus strand). Cytogenetic location: 5q23.1.
Variant type: single nucleotide variant.
Coding change: c.1791C>T on transcript NM_000414.4 (MANE Select); coding-DNA position 1791, C replaced by T.
Protein change: p.Val597=; no amino-acid change (valine 597 retained).
Molecular consequence: synonymous variant. On other transcripts: non-coding transcript variant (2).
Genome position (GRCh38, 1-based): chr5:119,529,917, C>T. VCF-style: chr5-119529917-C-T. GRCh37 (hg19) VCF-style: chr5-118865612-C-T.
Other names: c.1866C>T, p.Val622= (NM_001199291.3); c.1737C>T, p.Val579= (NM_001199292.2); c.1719C>T, p.Val573= (NM_001292027.2, NM_001374498.1); c.1371C>T, p.Val457= (NM_001292028.2); c.1782C>T, p.Val594= (NM_001374497.1); c.1464C>T, p.Val488= (NM_001374499.1); c.1350C>T, p.Val450= (NM_001374500.1); c.1380C>T, p.Val460= (NM_001374501.1, NM_001374502.1, NM_001374503.1).
Identifiers: ClinVar variation 226668 (VCV000226668.23), dbSNP rs2560722, ClinGen allele CA3382404.

ClinVar aggregate classification (germline): Benign. Review status: criteria provided, multiple submitters, no conflicts (2 of 4 stars). 8 submissions from 7 submitters: Benign (6). 2 of the submissions do not count toward it. Last evaluated 2026-02-04.

Conditions:
Bifunctional peroxisomal enzyme deficiency (DBIF). Also called: PBFE DEFICIENCY; D-bifunctional protein deficiency; DBP DEFICIENCY. Identifiers: Orphanet 300, MedGen C0342870, MONDO:0009855, OMIM 261515. Disease mechanism: loss of function.
Perrault syndrome. Also called: Gonadal dysgenesis with auditory dysfunction, autosomal recessive inheritance. Identifiers: Orphanet 2855, MedGen C0685838, MONDO:0017312.
Perrault syndrome 1 (PRLTS1). Also called: GONADAL DYSGENESIS, XX TYPE, WITH DEAFNESS; OVARIAN DYSGENESIS WITH SENSORINEURAL DEAFNESS. Identifiers: Orphanet 2855, Orphanet 642945, MedGen C4551721, MONDO:0009300, OMIM 233400.

Allele frequency attached by ClinVar (database versions not stated): 1000 Genomes Project 0.01977; gnomAD 0.02113 and 0.02288; TOPMed 0.02379; gnomAD exomes 0.00197 and 0.00556; 1000 Genomes Project 30x 0.02108; ESP Exome Variant Server 0.02453; ExAC 0.00686.
gnomAD v4.1: 6,250 of 1,605,800 alleles (0.39%); highest among the groups gnomAD compares: African/African-American, 7.3%; 194 homozygotes.

Submissions (8):

Labcorp Genetics (formerly Invitae), Labcorp
Classification: Benign for Perrault syndrome; Bifunctional peroxisomal enzyme deficiency. Last evaluated: 2026-02-04. Review status: criteria provided, single submitter. Criteria: Invitae Variant Classification Sherloc (09022015). Collection method: clinical testing. Allele origin: germline.

Illumina Laboratory Services, Illumina
Classification: Benign for Bifunctional peroxisomal enzyme deficiency. Last evaluated: 2018-01-13. Review status: criteria provided, single submitter. Criteria: ICSL Variant Classification Criteria 13 December 2019. Collection method: clinical testing. Allele origin: germline.
Comment: This variant was observed in the ICSL laboratory as part of a predisposition screen in an ostensibly healthy population. It had not been previously curated by ICSL or reported in the Human Gene Mutation Database (HGMD: prior to June 1st, 2018), and was therefore a candidate for classification through an automated scoring system. Utilizing variant allele frequency, disease prevalence and penetrance estimates, and inheritance mode, an automated score was calculated to assess if this variant is too frequent to cause the disease. Based on the score and internal cut-off values, a variant classified as benign is not then subjected to further curation. The score for this variant resulted in a classification of benign for this disease.

Illumina Laboratory Services, Illumina
Classification: Benign for Perrault syndrome 1. Last evaluated: 2018-01-13. Review status: criteria provided, single submitter. Criteria: ICSL Variant Classification Criteria 13 December 2019. Collection method: clinical testing. Allele origin: germline.
Comment: the same text as in the submission from Illumina Laboratory Services, Illumina above.

GeneDx
Classification: Benign. Last evaluated: 2017-10-05. Review status: criteria provided, single submitter. Criteria: GeneDx Variant Classification (06012015). Collection method: clinical testing. Allele origin: germline. Affected: yes.
Comment: This variant is considered likely benign or benign based on one or more of the following criteria: it is a conservative change, it occurs at a poorly conserved position in the protein, it is predicted to be benign by multiple in silico algorithms, and/or has population frequency not consistent with disease.

Laboratory for Molecular Medicine, Mass General Brigham Personalized Medicine
Classification: Benign. Last evaluated: 2014-11-24. Review status: criteria provided, single submitter. Criteria: LMM Criteria. Collection method: clinical testing. Allele origin: germline. Observed: 14 variant alleles.
Comment: Val622Val in exon 22 of HSD17B4: This variant is not expected to have clinical s ignificance because it does not alter an amino acid residue and is not located w ithin the splice consensus sequence. It has been identified in 7.2% (317/4404) o f African American chromosomes from a broad population by the NHLBI Exome Sequen cing Project (dbSNP rs2560722).

PreventionGenetics, part of Exact Sciences
Classification: Benign. Review status: criteria provided, single submitter. Criteria: ACMG Guidelines, 2015. Collection method: clinical testing. Allele origin: germline.

Natera, Inc.
Classification: Benign for Bifunctional peroxisomal enzyme deficiency. Last evaluated: 2020-09-16. Review status: no assertion criteria provided. Collection method: clinical testing. Allele origin: germline. Not counted in ClinVar's aggregate classification.

Mayo Clinic Laboratories, Mayo Clinic
Classification: Benign. Last evaluated: 2016-10-14. Review status: no assertion criteria provided. Collection method: clinical testing. Allele origin: unknown. Not counted in ClinVar's aggregate classification.